The following is an entry in ClinVar:

ClinVar aggregate classification (germline): Uncertain significance. Review status: criteria provided, multiple submitters, no conflicts (2 of 4 stars). 5 submissions from 5 submitters: Uncertain significance (5). Last evaluated 2025-10-29.

Conditions:
Polymicrogyria with or without vascular-type Ehlers-Danlos syndrome. Identifiers: Orphanet 636941, MedGen C5193040, MONDO:0032688, OMIM 618343.
Ehlers-Danlos syndrome, type 4 (EDSVASC). Also called: Ehlers-Danlos syndrome vascular type; Ehlers Danlos syndrome, ecchymotic type; Ehlers Danlos syndrome, arterial type; Ehlers Danlos syndrome, Sack-Barabas type; Ehlers-Danlos Syndrome Type IV. Identifiers: Orphanet 286, MedGen C0268338, MONDO:0017314, OMIM 130050.
Familial thoracic aortic aneurysm and aortic dissection (TAAD). Also called: Thoracic aortic aneurysms and dissections. Identifiers: Orphanet 91387, MedGen C4707243, MONDO:0019625.

Allele frequency attached by ClinVar (database versions not stated): gnomAD exomes below 0.00001.
gnomAD v4.1: 7 of 1,613,928 alleles (0.00043%); highest among the groups gnomAD compares: Non-Finnish European, 0.00051%; no homozygotes.

Submissions (5):

Labcorp Genetics (formerly Invitae), Labcorp
Classification: Uncertain significance for Ehlers-Danlos syndrome, type 4. Last evaluated: 2025-10-29. Review status: criteria provided, single submitter. Criteria: Invitae Variant Classification Sherloc (09022015). Collection method: clinical testing. Allele origin: germline.
Comment: This sequence change replaces serine, which is neutral and polar, with leucine, which is neutral and non-polar, at codon 934 of the COL3A1 protein (p.Ser934Leu). This variant is not present in population databases (gnomAD no frequency). This variant has not been reported in the literature in individuals affected with COL3A1-related conditions. ClinVar contains an entry for this variant (Variation ID: 263987). Invitae Evidence Modeling of protein sequence and biophysical properties (such as structural, functional, and spatial information, amino acid conservation, physicochemical variation, residue mobility, and thermodynamic stability) indicates that this missense variant is not expected to disrupt COL3A1 protein function with a negative predictive value of 95%. In summary, the available evidence is currently insufficient to determine the role of this variant in disease. Therefore, it has been classified as a Variant of Uncertain Significance.

Color Diagnostics, LLC DBA Color Health
Classification: Uncertain significance for Familial thoracic aortic aneurysm and aortic dissection. Last evaluated: 2024-03-06. Review status: criteria provided, single submitter. Criteria: ACMG Guidelines, 2015. Collection method: clinical testing. Allele origin: germline.
Comment: This missense variant replaces serine with leucine at codon 934 of the COL3A1 protein. Computational prediction suggests that this variant may not impact protein structure and function (internally defined REVEL score threshold <= 0.5, PMID: 27666373). To our knowledge, functional studies have not been reported for this variant. This variant has not been reported in individuals affected with COL3A1-related disorders in the literature. This variant has not been identified in the general population by the Genome Aggregation Database (gnomAD). The available evidence is insufficient to determine the role of this variant in disease conclusively. Therefore, this variant is classified as a Variant of Uncertain Significance.

All of Us Research Program, National Institutes of Health
Classification: Uncertain significance for Ehlers-Danlos syndrome, type 4. Last evaluated: 2023-09-04. Review status: criteria provided, single submitter. Criteria: ACMG Guidelines, 2015. Collection method: clinical testing. Allele origin: germline. Inheritance: Autosomal dominant inheritance. Observed: 2 variant alleles, 2 heterozygotes.
Comment: This missense variant replaces serine with leucine at codon 934 of the COL3A1 protein. Computational prediction suggests that this variant may not impact protein structure and function (internally defined REVEL score threshold <= 0.5, PMID: 27666373). To our knowledge, functional studies have not been reported for this variant. This variant has not been reported in individuals affected with cardiovascular disorders in the literature. This variant has not been identified in the general population by the Genome Aggregation Database (gnomAD). The available evidence is insufficient to determine the role of this variant in disease conclusively. Therefore, this variant is classified as a Variant of Uncertain Significance.

This study involves interpretation of variants in research participants for the purpose of population health screening. Participant phenotype was not available at the time of variant classification. Additional details can be found in publication PMID: 35346344, PMCID: PMC8962531

Fulgent Genetics
Classification: Uncertain significance for Ehlers-Danlos syndrome, type 4; Polymicrogyria with or without vascular-type Ehlers-Danlos syndrome. Last evaluated: 2021-08-19. Review status: criteria provided, single submitter. Criteria: ACMG Guidelines, 2015. Collection method: clinical testing. Allele origin: unknown.

Ambry Genetics
Classification: Uncertain significance for Familial thoracic aortic aneurysm and aortic dissection. Last evaluated: 2021-01-08. Review status: criteria provided, single submitter. Criteria: Ambry Variant Classification Scheme 2023. Collection method: clinical testing. Allele origin: germline.
Comment: The p.S934L variant (also known as c.2801C>T), located in coding exon 39 of the COL3A1 gene, results from a C to T substitution at nucleotide position 2801. The serine at codon 934 is replaced by leucine, an amino acid with dissimilar properties. This amino acid position is poorly conserved in available vertebrate species. In addition, this alteration is predicted to be tolerated by in silico analysis. Since supporting evidence is limited at this time, the significance of the variant is unknown.

NM_000090.4(COL3A1):c.2801C>T (p.Ser934Leu)

Gene: COL3A1 (collagen type III alpha 1 chain; plus strand). Cytogenetic location: 2q32.2.
Variant type: single nucleotide variant.
Coding change: c.2801C>T on transcript NM_000090.4 (MANE Select); coding-DNA position 2801, C replaced by T.
Protein change: p.Ser934Leu; replaces serine 934 with leucine.
Molecular consequence: missense variant.
Genome position (GRCh38, 1-based): chr2:189,004,121, C>T. VCF-style: chr2-189004121-C-T. GRCh37 (hg19) VCF-style: chr2-189868847-C-T.
Other names: short protein forms S934L.
Identifiers: ClinVar variation 263987 (VCV000263987.13), dbSNP rs753621331, ClinGen allele CA10587533.